The following is an entry in ClinVar:

NM_000182.5(HADHA):c.1248T>G (p.Ala416=)

Genes: GAREM2 (GRB2 associated regulator of MAPK1 subtype 2; plus strand), HADHA (hydroxyacyl-CoA dehydrogenase trifunctional multienzyme complex subunit alpha; minus strand). Cytogenetic location: 2p23.3.
Variant type: single nucleotide variant.
Coding change: c.1248T>G on transcript NM_000182.5 (MANE Select); coding-DNA position 1248, T replaced by G.
Protein change: p.Ala416=; no amino-acid change (alanine 416 retained).
Molecular consequence: synonymous variant.
Genome position (GRCh38, 1-based): chr2:26,201,293, A>C on the plus strand (T>G on the coding strand, the complement: HADHA is on the minus strand). VCF-style: chr2-26201293-A-C. GRCh37 (hg19) VCF-style: chr2-26424162-A-C.
Identifiers: ClinVar variation 508406 (VCV000508406.14), dbSNP rs769173885, ClinGen allele CA1559626.

ClinVar aggregate classification (germline): Likely benign. Review status: criteria provided, multiple submitters, no conflicts (2 of 4 stars). 5 submissions from 5 submitters: Likely benign (4). 1 of the submissions does not count toward it. Last evaluated 2026-01-24.

Conditions:
Mitochondrial trifunctional protein deficiency. Identifiers: Orphanet 746, MedGen C1969443, MONDO:0012172.
Long chain 3-hydroxyacyl-CoA dehydrogenase deficiency. Also called: Deficiency of long-chain 3-hydroxyacyl-coenzyme A dehydrogenase; LCHAD Deficiency. Identifiers: Orphanet 5, MedGen C3711645, MONDO:0012173, OMIM 609016.
HADHA-related disorder. Also called: HADHA-related disorders; HADHA-related condition.

Allele frequency attached by ClinVar (database versions not stated): gnomAD below 0.00001 and 0.00004; gnomAD exomes 0.00004 and 0.00006; ExAC 0.00007.
gnomAD v4.1: 73 of 1,611,286 alleles (0.0045%); highest among the groups gnomAD compares: South Asian, 0.067%; 1 homozygote.

Submissions (5):

Labcorp Genetics (formerly Invitae), Labcorp
Classification: Likely benign for Mitochondrial trifunctional protein deficiency; Long chain 3-hydroxyacyl-CoA dehydrogenase deficiency. Last evaluated: 2026-01-24. Review status: criteria provided, single submitter. Criteria: Invitae Variant Classification Sherloc (09022015). Collection method: clinical testing. Allele origin: germline.

ARUP Laboratories, Molecular Genetics and Genomics, ARUP Laboratories
Classification: Likely benign. Last evaluated: 2025-06-20. Review status: criteria provided, single submitter. Criteria: ARUP Molecular Germline Variant Investigation Process 2024. Collection method: clinical testing. Allele origin: germline.

Blueprint Genetics
Classification: Likely benign. Last evaluated: 2024-03-22. Review status: criteria provided, single submitter. Criteria: ACMG Guidelines, 2015. Collection method: clinical testing. Allele origin: germline.

GeneDx
Classification: Likely benign. Last evaluated: 2017-04-15. Review status: criteria provided, single submitter. Criteria: GeneDx Variant Classification (06012015). Collection method: clinical testing. Allele origin: germline. Affected: yes.
Comment: This variant is considered likely benign or benign based on one or more of the following criteria: it is a conservative change, it occurs at a poorly conserved position in the protein, it is predicted to be benign by multiple in silico algorithms, and/or has population frequency not consistent with disease.

PreventionGenetics, part of Exact Sciences
Classification: Likely benign for HADHA-related condition. Last evaluated: 2020-02-12. Review status: no assertion criteria provided. Collection method: clinical testing. Allele origin: germline. Not counted in ClinVar's aggregate classification.
Comment: This variant is classified as likely benign based on ACMG/AMP sequence variant interpretation guidelines (Richards et al. 2015 PMID: 25741868, with internal and published modifications).